The following is an entry in ClinVar:

NM_178857.6(RP1L1):c.415C>T (p.Pro139Ser)

Gene: RP1L1 (RP1 like 1). Cytogenetic location: 8p23.1.
Variant type: single nucleotide variant.
Coding change: c.415C>T on transcript NM_178857.6 (MANE Select); coding-DNA position 415, C replaced by T.
Protein change: p.Pro139Ser; replaces proline 139 with serine.
Molecular consequence: missense variant.
Genome position (GRCh38, 1-based): chr8:10,622,787, G>A on the plus strand (C>T on the coding strand, the complement: RP1L1 is on the minus strand). VCF-style: chr8-10622787-G-A. GRCh37 (hg19) VCF-style: chr8-10480297-G-A.
Other names: short protein forms P139S.
Identifiers: ClinVar variation 1914445 (VCV001914445.6), dbSNP rs200743572, ClinGen allele CA4625715.

ClinVar aggregate classification (germline): Uncertain significance. Review status: criteria provided, multiple submitters, no conflicts (2 of 4 stars). 2 submissions from 2 submitters: Uncertain significance (2). Last evaluated 2024-01-17.

Submissions (2):

Blueprint Genetics
Classification: Uncertain significance. Last evaluated: 2024-01-17. Review status: criteria provided, single submitter. Criteria: ACMG Guidelines, 2015. Collection method: clinical testing. Allele origin: germline.

Labcorp Genetics (formerly Invitae), Labcorp
Classification: Uncertain significance. Last evaluated: 2022-01-18. Review status: criteria provided, single submitter. Criteria: Invitae Variant Classification Sherloc (09022015). Collection method: clinical testing. Allele origin: germline.
Comment: In summary, the available evidence is currently insufficient to determine the role of this variant in disease. Therefore, it has been classified as a Variant of Uncertain Significance. Advanced modeling of protein sequence and biophysical properties (such as structural, functional, and spatial information, amino acid conservation, physicochemical variation, residue mobility, and thermodynamic stability) performed at Invitae indicates that this missense variant is not expected to disrupt RP1L1 protein function. This variant has not been reported in the literature in individuals affected with RP1L1-related conditions. This variant is present in population databases (rs200743572, gnomAD 0.003%). This sequence change replaces proline, which is neutral and non-polar, with serine, which is neutral and polar, at codon 139 of the RP1L1 protein (p.Pro139Ser).